The following is an entry in ClinVar:

NM_001693.4(ATP6V1B2):c.1041G>A (p.Ser347=)

Gene: ATP6V1B2 (ATPase H+ transporting V1 subunit B2; plus strand). Cytogenetic location: 8p21.3.
Variant type: single nucleotide variant.
Coding change: c.1041G>A on transcript NM_001693.4 (MANE Select); coding-DNA position 1041, G replaced by A.
Protein change: p.Ser347=; no amino-acid change (serine 347 retained).
Molecular consequence: synonymous variant.
Genome position (GRCh38, 1-based): chr8:20,214,931, G>A. VCF-style: chr8-20214931-G-A. GRCh37 (hg19) VCF-style: chr8-20072442-G-A.
Identifiers: ClinVar variation 727726 (VCV000727726.29), dbSNP rs142924696, ClinGen allele CA4657031.

ClinVar aggregate classification (germline): Benign/Likely benign. Review status: criteria provided, multiple submitters, no conflicts (2 of 4 stars). 3 submissions from 3 submitters: Benign (2); Likely benign (1). Last evaluated 2024-10-10.

Allele frequency attached by ClinVar (database versions not stated): gnomAD exomes 0.00022; ExAC 0.00057; gnomAD 0.00180 and 0.00193; TOPMed 0.00189; ESP Exome Variant Server 0.00223; 1000 Genomes Project 30x 0.00250; 1000 Genomes Project 0.00280.
gnomAD v4.1: 624 of 1,613,460 alleles (0.039%); highest among the groups gnomAD compares: African/African-American, 0.67%; 5 homozygotes.

Submissions (3):

Blueprint Genetics
Classification: Benign. Last evaluated: 2024-10-10. Review status: criteria provided, single submitter. Criteria: ACMG Guidelines, 2015. Collection method: clinical testing. Allele origin: germline.

CeGaT Center for Human Genetics Tuebingen
Classification: Likely benign. Last evaluated: 2024-01-01. Review status: criteria provided, single submitter. Criteria: CeGaT Center For Human Genetics Tuebingen Variant Classification Criteria Version 2. Collection method: clinical testing. Allele origin: germline. Affected: yes. Observed: 3 variant alleles.
Comment: ATP6V1B2: BP4, BP7

Labcorp Genetics (formerly Invitae), Labcorp
Classification: Benign. Last evaluated: 2019-12-31. Review status: criteria provided, single submitter. Criteria: Invitae Variant Classification Sherloc (09022015). Collection method: clinical testing. Allele origin: germline.